The following is an entry in ClinVar:

NM_153717.3(EVC):c.37_38del (p.Arg13fs)

Gene: EVC (EvC ciliary complex subunit 1; plus strand). Cytogenetic location: 4p16.2.
Variant type: Microsatellite.
Coding change: c.37_38del on transcript NM_153717.3 (MANE Select); coding-DNA positions 37 to 38, 2 bases deleted (CG; older notation c.37_38delCG).
Protein change: p.Arg13fs; shifts the reading frame from arginine 13.
Molecular consequence: frameshift variant.
Genome position (GRCh38, 1-based): chr4:5,711,417-5,711,418, CG deleted; deleting any 2 consecutive bases within chr4:5,711,413-5,711,418 gives the same sequence; the c. name uses the placement nearest the transcript's 3' end. VCF-style (leftmost placement, unchanged base first): chr4-5711412-ACG-A. GRCh37 (hg19) VCF-style: chr4-5713139-ACG-A.
Other names: c.37_38delCG (NM_153717.2); c.37_38del, p.Arg13fs (NM_001306090.2, NM_001306092.2); short protein forms R13fs.
Identifiers: ClinVar variation 1013604 (VCV001013604.9), dbSNP rs1722986802, ClinGen allele CA1435469501.

ClinVar aggregate classification (germline): Pathogenic. Review status: criteria provided, multiple submitters, no conflicts (2 of 4 stars). 3 submissions from 3 submitters: Pathogenic (3). Last evaluated 2025-10-26.

Conditions:
Ellis-van Creveld syndrome (EVC). Also called: EVC-Related Ellis-van Creveld Syndrome; EVC2-Related Ellis-van Creveld Syndrome; Chondroectodermal dysplasia; MESOECTODERMAL DYSPLASIA. Identifiers: Orphanet 289, MedGen C0013903, MONDO:0009162, OMIM 225500.
Curry-Hall syndrome (WAD). Also called: WEYERS ACRODENTAL DYSOSTOSIS. Identifiers: Orphanet 952, MedGen C0457013, MONDO:0008673, OMIM 193530.

Submissions (3):

Natera, Inc.
Classification: Pathogenic for Ellis-van Creveld syndrome. Last evaluated: 2025-10-26. Review status: criteria provided, single submitter. Criteria: Natera Variant Classification Schema (03/2026). Collection method: clinical testing. Allele origin: germline.
Comment: The c.37_38delCG variant in EVC is a frameshift variant predicted to shift the reading frame beginning at codon 13 and leads to a stop codon 59 codons downstream. This variant is expected to result in nonsense mediated decay, truncation, or a dysfunctional protein product. This variant is rare in the general population with a frequency below the threshold expected for the associated phenotype(s). This variant has been observed in one or more individuals affected with the associated recessive disease, as either homozygous or compound heterozygous with a second variant (PMID: 35627109). Given the available evidence, this variant is classified as Pathogenic.

Labcorp Genetics (formerly Invitae), Labcorp
Classification: Pathogenic for Curry-Hall syndrome; Ellis-van Creveld syndrome. Last evaluated: 2021-12-11. Review status: criteria provided, single submitter. Criteria: Invitae Variant Classification Sherloc (09022015). Collection method: clinical testing. Allele origin: germline.
Comment: The frequency data for this variant in the population databases is considered unreliable, as metrics indicate insufficient coverage at this position in the gnomAD database. This variant has not been reported in the literature in individuals affected with EVC-related conditions. For these reasons, this variant has been classified as Pathogenic. This sequence change creates a premature translational stop signal (p.Arg13Alafs*59) in the EVC gene. It is expected to result in an absent or disrupted protein product. Loss-of-function variants in EVC are known to be pathogenic (PMID: 23220543).

MNM Diagnostics
Classification: Pathogenic for Ellis-van Creveld syndrome. Last evaluated: 2020-07-15. Review status: criteria provided, single submitter. Criteria: ACMG Guidelines, 2015. Collection method: clinical testing. Allele origin: inherited. Affected: yes. Observed: 1 variant allele, 1 homozygote.
Comment: According to ACMG Guidelines, the variant meets the following criteria of pathogenicity: PVS1, PM1, PM2, PM3, PP3, PP4. This is a homozygotic deletion of cytosine and guanine in EVC gene in c.37-38 position (first exon) resulting in arginine to alanine substitutaion in p.13 of the protein, ORF shift, and early stop codon leading to truncated protein.

Literature cited by the submitters: PubMed 35627109 (cited by Natera, Inc.); PubMed 23220543 (cited by Labcorp Genetics (formerly Invitae), Labcorp).